The following is an entry in ClinVar:

NM_000222.3(KIT):c.2215A>G (p.Arg739Gly)

Gene: KIT (KIT proto-oncogene, receptor tyrosine kinase; plus strand). Cytogenetic location: 4q12.
Variant type: single nucleotide variant.
Coding change: c.2215A>G on transcript NM_000222.3 (MANE Select); coding-DNA position 2215, A replaced by G.
Protein change: p.Arg739Gly; replaces arginine 739 with glycine.
Molecular consequence: missense variant.
Genome position (GRCh38, 1-based): chr4:54,731,401, A>G. VCF-style: chr4-54731401-A-G. GRCh37 (hg19) VCF-style: chr4-55597567-A-G.
Other names: c.2203A>G, p.Arg735Gly (NM_001093772.2, NM_001385292.1); c.2218A>G, p.Arg740Gly (NM_001385284.1); c.2212A>G, p.Arg738Gly (NM_001385285.1); c.2200A>G, p.Arg734Gly (NM_001385286.1); c.2206A>G, p.Arg736Gly (NM_001385288.1); c.2215A>G, p.Arg739Gly (NM_001385290.1); short protein forms R739G, R735G, R734G, R736G, R738G, R740G.
Identifiers: ClinVar variation 952183 (VCV000952183.10), dbSNP rs1722589058, ClinGen allele CA356910761.

ClinVar aggregate classification (germline): Uncertain significance (1 of 4 stars; one submission).

Conditions:
Gastrointestinal stromal tumor. Also called: Gastrointestinal stromal tumor, somatic; Gastrointestinal stroma tumor. Identifiers: Orphanet 44890, MedGen C0238198, MeSH D046152, MONDO:0011719, OMIM 606764, HP:0100723.

Submission:

Labcorp Genetics (formerly Invitae), Labcorp
Classification: Uncertain significance for Gastrointestinal stromal tumor. Last evaluated: 2019-06-12. Review status: criteria provided, single submitter. Criteria: Invitae Variant Classification Sherloc (09022015). Collection method: clinical testing. Allele origin: germline.
Comment: This sequence change replaces arginine with glycine at codon 739 of the KIT protein (p.Arg739Gly). The arginine residue is highly conserved and there is a moderate physicochemical difference between arginine and glycine. This variant is not present in population databases (ExAC no frequency). This variant has not been reported in the literature in individuals with KIT-related conditions. Algorithms developed to predict the effect of missense changes on protein structure and function (SIFT, PolyPhen-2, Align-GVGD) all suggest that this variant is likely to be disruptive, but these predictions have not been confirmed by published functional studies and their clinical significance is uncertain. In summary, the available evidence is currently insufficient to determine the role of this variant in disease. Therefore, it has been classified as a Variant of Uncertain Significance.